The following is an entry in ClinVar:

NM_000321.3(RB1):c.1412A>G (p.Gln471Arg)

Gene: RB1 (RB transcriptional corepressor 1; plus strand). Cytogenetic location: 13q14.2.
Variant type: single nucleotide variant.
Coding change: c.1412A>G on transcript NM_000321.3 (MANE Select); coding-DNA position 1412, A replaced by G.
Protein change: p.Gln471Arg; replaces glutamine 471 with arginine.
Molecular consequence: missense variant.
Genome position (GRCh38, 1-based): chr13:48,380,075, A>G. VCF-style: chr13-48380075-A-G. GRCh37 (hg19) VCF-style: chr13-48954211-A-G.
Other names: short protein forms Q471R.
Identifiers: ClinVar variation 842779 (VCV000842779.14), dbSNP rs1948520103, ClinGen allele CA388162717.

ClinVar aggregate classification (germline): Uncertain significance. Review status: criteria provided, multiple submitters, no conflicts (2 of 4 stars). 3 submissions from 3 submitters: Uncertain significance (3). Last evaluated 2025-12-09.

Conditions:
Retinoblastoma (RB1). Also called: RETINOBLASTOMA, SOMATIC. Identifiers: Orphanet 790, MedGen C0035335, MeSH D012175, MONDO:0008380, OMIM 180200, HP:0009919. Disease mechanism: loss of function. Inheritance: Both sporadic and heritable forms are tested..
Hereditary cancer-predisposing syndrome. Also called: Hereditary Cancer Syndrome; Hereditary neoplastic syndrome; Tumor predisposition; Neoplastic Syndromes, Hereditary. Identifiers: Orphanet 140162, MedGen C0027672, MeSH D009386, MONDO:0015356.

Allele frequency attached by ClinVar (database versions not stated): TOPMed below 0.00001; gnomAD exomes 0.00001.
gnomAD v4.1: 5 of 1,399,264 alleles (0.00036%); highest among the groups gnomAD compares: Non-Finnish European, 0.00039%; no homozygotes.

Submissions (3):

Labcorp Genetics (formerly Invitae), Labcorp
Classification: Uncertain significance for Retinoblastoma. Last evaluated: 2025-12-09. Review status: criteria provided, single submitter. Criteria: Invitae Variant Classification Sherloc (09022015). Collection method: clinical testing. Allele origin: germline.
Comment: This sequence change replaces glutamine, which is neutral and polar, with arginine, which is basic and polar, at codon 471 of the RB1 protein (p.Gln471Arg). This variant is not present in population databases (gnomAD no frequency). This variant has not been reported in the literature in individuals affected with RB1-related conditions. ClinVar contains an entry for this variant (Variation ID: 842779). Invitae Evidence Modeling of protein sequence and biophysical properties (such as structural, functional, and spatial information, amino acid conservation, physicochemical variation, residue mobility, and thermodynamic stability) indicates that this missense variant is not expected to disrupt RB1 protein function with a negative predictive value of 80%. In summary, the available evidence is currently insufficient to determine the role of this variant in disease. Therefore, it has been classified as a Variant of Uncertain Significance.

Ambry Genetics
Classification: Uncertain significance for Hereditary cancer-predisposing syndrome. Last evaluated: 2025-05-09. Review status: criteria provided, single submitter. Criteria: Ambry Variant Classification Scheme 2023. Collection method: clinical testing. Allele origin: germline.
Comment: The p.Q471R variant (also known as c.1412A>G), located in coding exon 15 of the RB1 gene, results from an A to G substitution at nucleotide position 1412. The glutamine at codon 471 is replaced by arginine, an amino acid with highly similar properties. This amino acid position is well conserved in available vertebrate species. In addition, the in silico prediction for this alteration is inconclusive. Since supporting evidence is limited at this time, the clinical significance of this alteration remains unclear.

All of Us Research Program, National Institutes of Health
Classification: Uncertain significance for Retinoblastoma. Last evaluated: 2023-04-10. Review status: criteria provided, single submitter. Criteria: ACMG Guidelines, 2015. Collection method: clinical testing. Allele origin: germline. Inheritance: Autosomal dominant inheritance. Observed: 1 variant allele, 1 heterozygote.
Comment: This missense variant replaces glutamine with arginine at codon 471 of the RB1 protein. Computational prediction suggests that this variant may not impact protein structure and function (internally defined REVEL score threshold <= 0.5, PMID: 27666373). To our knowledge, functional studies have not been reported for this variant. This variant has not been reported in individuals affected with RB1-related disorders in the literature. This variant has not been identified in the general population by the Genome Aggregation Database (gnomAD). The available evidence is insufficient to determine the role of this variant in disease conclusively. Therefore, this variant is classified as a Variant of Uncertain Significance.

This study involves interpretation of variants in research participants for the purpose of population health screening. Participant phenotype was not available at the time of variant classification. Additional details can be found in publication PMID: 35346344, PMCID: PMC8962531